The following is an entry in ClinVar:

ClinVar aggregate classification (germline): Conflicting classifications of pathogenicity. Review status: criteria provided, conflicting classifications (1 of 4 stars). 3 submissions from 3 submitters: Uncertain significance (2); Benign (1). Last evaluated 2024-10-10.

Conditions:
Mowat-Wilson syndrome (MOWS). Also called: Classic Mowat-Wilson Syndrome. Identifiers: Orphanet 2152, MedGen C1856113, MONDO:0009341, OMIM 235730.

gnomAD v4.1: 11 of 1,614,132 alleles (0.00068%); highest among the groups gnomAD compares: Admixed American, 0.0083%; no homozygotes.

Submissions (3):

Labcorp Genetics (formerly Invitae), Labcorp
Classification: Benign for Mowat-Wilson syndrome. Last evaluated: 2024-10-10. Review status: criteria provided, single submitter. Criteria: Invitae Variant Classification Sherloc (09022015). Collection method: clinical testing. Allele origin: germline.

Fulgent Genetics
Classification: Uncertain significance for Mowat-Wilson syndrome. Last evaluated: 2021-10-21. Review status: criteria provided, single submitter. Criteria: ACMG Guidelines, 2015. Collection method: clinical testing. Allele origin: unknown.

GeneDx
Classification: Uncertain significance. Last evaluated: 2018-05-15. Review status: criteria provided, single submitter. Criteria: GeneDx Variant Classification (06012015). Collection method: clinical testing. Allele origin: germline. Affected: yes.
Comment: A variant of uncertain significance has been identified in the ZEB2 gene. The c.807+3 G>T variant has not been published as a pathogenic variant, nor has it been reported as a benign variant to our knowledge. The c.807+3 G>T variant is observed in 5/33582 (0.01%) alleles from individuals of Latino background in large population cohorts (Lek et al., 2016). Several in silico splice prediction models predict that c.807+3 G>T destroys the natural donor site and leads to abnormal gene splicing. However, in the absence of RNA/functional studies, the actual effect of this sequence change in this individual is unknown. Therefore, based on the currently available information, it is unclear whether this variant is a pathogenic variant or a rare benign variant.

NM_014795.4(ZEB2):c.807+3G>T

Gene: ZEB2 (zinc finger E-box binding homeobox 2; minus strand). Cytogenetic location: 2q22.3.
Variant type: single nucleotide variant.
Coding change: c.807+3G>T on transcript NM_014795.4 (MANE Select); 3 bases into the intron after coding-DNA position 807, G replaced by T.
Molecular consequence: intron variant.
Genome position (GRCh38, 1-based): chr2:144,403,913, C>A on the plus strand (G>T on the coding strand, the complement: ZEB2 is on the minus strand). VCF-style: chr2-144403913-C-A. GRCh37 (hg19) VCF-style: chr2-145161480-C-A.
Other names: c.735+3G>T (NM_001171653.2).
Identifiers: ClinVar variation 546312 (VCV000546312.9), dbSNP rs144925893, ClinGen allele CA1898419.